The following is an entry in ClinVar:

ClinVar aggregate classification (germline): Uncertain significance (1 of 4 stars; one submission).

Submission:

GeneDx
Classification: Uncertain significance. Last evaluated: 2024-11-22. Review status: criteria provided, single submitter. Criteria: GeneDx Variant Classification Process June 2021. Collection method: clinical testing. Allele origin: germline. Affected: yes.
Comment: Not observed at significant frequency in large population cohorts (gnomAD); In-frame deletion of 3 amino acids in a non-repeat region; In silico analysis indicates that this variant does not alter protein structure/function; Has not been previously published as pathogenic or benign to our knowledge

NM_015057.5(MYCBP2):c.10830_10838del (p.Glu3610_Glu3612del)

Genes: MYCBP2 (MYC binding protein 2; minus strand), MYCBP2-AS1 (MYCBP2 antisense RNA 1; plus strand). Cytogenetic location: 13q22.3.
Variant type: Deletion.
Coding change: c.10830_10838del on transcript NM_015057.5 (MANE Select); coding-DNA positions 10830 to 10838, 9 bases deleted (AGAAGAGGA; older notation c.10830_10838delAGAAGAGGA).
Protein change: p.Glu3610_Glu3612del.
Genome position (GRCh38, 1-based): chr13:77,087,521-77,087,529, TCCTCTTCT deleted on the plus strand (AGAAGAGGA on the coding strand, the reverse complement: MYCBP2 is on the minus strand); deleting any 9 consecutive bases within chr13:77,087,521-77,087,535 gives the same sequence; the c. name uses the placement nearest the transcript's 3' end. VCF-style (leftmost placement, unchanged base first): chr13-77087520-ATCCTCTTCT-A. GRCh37 (hg19) VCF-style: chr13-77661655-ATCCTCTTCT-A.
Identifiers: ClinVar variation 3900132 (VCV003900132.1).